The following is an entry in ClinVar:

ClinVar aggregate classification (germline): Pathogenic (1 of 4 stars; one submission).

Submission:

Labcorp Genetics (formerly Invitae), Labcorp
Classification: Pathogenic. Last evaluated: 2022-06-25. Review status: criteria provided, single submitter. Criteria: Invitae Variant Classification Sherloc (09022015). Collection method: clinical testing. Allele origin: germline.
Comment: For these reasons, this variant has been classified as Pathogenic. This variant disrupts a region of the PCDH15 protein in which other variant(s) (p.Gln1576*) have been determined to be pathogenic (PMID: 28281779). This suggests that this is a clinically significant region of the protein, and that variants that disrupt it are likely to be disease-causing. Algorithms developed to predict the effect of sequence changes on RNA splicing suggest that this variant may disrupt the consensus splice site. This variant has not been reported in the literature in individuals affected with PCDH15-related conditions. This variant is not present in population databases (gnomAD no frequency). This sequence change creates a premature translational stop signal (p.Ala1430Glyfs*43) in the PCDH15 gene. While this is not anticipated to result in nonsense mediated decay, it is expected to disrupt the last 526 amino acid(s) of the PCDH15 protein.

Literature cited by the submitters: PubMed 28281779.

NM_001384140.1(PCDH15):c.4289_4319del (p.Ala1430fs)

Gene: PCDH15 (protocadherin related 15; minus strand). Cytogenetic location: 10q21.1.
Variant type: Deletion.
Coding change: c.4289_4319del on transcript NM_001384140.1 (MANE Select); coding-DNA positions 4289 to 4319, 31 bases deleted.
Protein change: p.Ala1430fs; shifts the reading frame from alanine 1430.
Molecular consequence: frameshift variant.
Genome position (GRCh38, 1-based): chr10:53,827,441-53,827,471, 31 bases deleted. GRCh37 (hg19): chr10:55,587,201-55,587,231.
Other names: c.4304_4334del, p.Ala1435fs (NM_001142763.2, NM_001142771.2); c.4289_4319del, p.Ala1430fs (NM_001142764.2, NM_001142770.3, NM_001142772.2 and 3 more transcripts); c.4076_4106del, p.Ala1359fs (NM_001142765.2); c.4280_4310del, p.Ala1427fs (NM_001142766.2); c.4169_4199del, p.Ala1390fs (NM_001142767.2); c.4223_4253del, p.Ala1408fs (NM_001142768.2, NM_001354404.2); c.4325_4355del31, p.Ala1442Glyfs (NM_001142769.4); c.4214_4244del, p.Ala1405fs (NM_001142773.2); and 1 more; short protein forms A1359fs, A1430fs, A1405fs, A1427fs, A1435fs, A1437fs, A1442fs, A1390fs.
Identifiers: ClinVar variation 2008305 (VCV002008305.4), dbSNP rs2492548718, ClinGen allele CA2580081597.